The following is an entry in ClinVar:

NM_001371928.1(AHDC1):c.1260G>A (p.Thr420=)

Gene: AHDC1 (AT-hook DNA binding motif containing 1; minus strand). Cytogenetic location: 1p36.11.
Variant type: single nucleotide variant.
Coding change: c.1260G>A on transcript NM_001371928.1 (MANE Select); coding-DNA position 1260, G replaced by A.
Protein change: p.Thr420=; no amino-acid change (threonine 420 retained).
Molecular consequence: synonymous variant.
Genome position (GRCh38, 1-based): chr1:27,550,856, C>T on the plus strand (G>A on the coding strand, the complement: AHDC1 is on the minus strand). VCF-style: chr1-27550856-C-T. GRCh37 (hg19) VCF-style: chr1-27877367-C-T.
Other names: c.1260G>A, p.Thr420= (NM_001029882.3).
Identifiers: ClinVar variation 2901126 (VCV002901126.5), dbSNP rs779712044, ClinGen allele CA715980.

ClinVar aggregate classification (germline): Likely benign. Review status: criteria provided, single submitter (1 of 4 stars). 2 submissions from 2 submitters: Likely benign (1). 1 of the submissions does not count toward it. Last evaluated 2025-09-08.

Conditions:
AHDC1-related disorder. Also called: AHDC1-related condition.

Allele frequency attached by ClinVar (database versions not stated): gnomAD 0.00003; gnomAD exomes 0.00001; ExAC 0.00004.
gnomAD v4.1: 20 of 1,576,898 alleles (0.0013%); highest among the groups gnomAD compares: African/African-American, 0.004%; no homozygotes.

Submissions (2):

Labcorp Genetics (formerly Invitae), Labcorp
Classification: Likely benign. Last evaluated: 2025-09-08. Review status: criteria provided, single submitter. Criteria: Invitae Variant Classification Sherloc (09022015). Collection method: clinical testing. Allele origin: germline.

PreventionGenetics, part of Exact Sciences
Classification: Likely benign for AHDC1-related condition. Last evaluated: 2023-10-11. Review status: no assertion criteria provided. Collection method: clinical testing. Allele origin: germline. Not counted in ClinVar's aggregate classification.
Comment: This variant is classified as likely benign based on ACMG/AMP sequence variant interpretation guidelines (Richards et al. 2015 PMID: 25741868, with internal and published modifications).